The following is an entry in ClinVar:

ClinVar aggregate classification (germline): Likely pathogenic (1 of 4 stars; one submission).

Conditions:
Amyotrophic lateral sclerosis type 16. Also called: AMYOTROPHIC LATERAL SCLEROSIS 16, JUVENILE. Identifiers: Orphanet 300605, MedGen C3280587, MONDO:0013715, OMIM 614373.
Autosomal recessive distal spinal muscular atrophy 2. Also called: NEURONOPATHY, DISTAL HEREDITARY MOTOR, JERASH TYPE; NEUROPATHY, DISTAL HEREDITARY MOTOR, JERASH TYPE; SPINAL MUSCULAR ATROPHY, JERASH TYPE; Hereditary motor neuropathy, Jerash type; Motor neuropathy, distal, Jerash type; NEUROPATHY, DISTAL HEREDITARY MOTOR, AUTOSOMAL RECESSIVE 2. Identifiers: Orphanet 139552, MedGen C1854023, MONDO:0011585, OMIM 605726.

gnomAD v4.1: 1 of 1,613,932 alleles (0.000062%); highest among the groups gnomAD compares: Non-Finnish European, 0.000085%; no homozygotes.

Submissions (4):

Labcorp Genetics (formerly Invitae), Labcorp
Classification: Likely pathogenic for Autosomal recessive distal spinal muscular atrophy 2; Amyotrophic lateral sclerosis type 16. Last evaluated: 2025-10-04. Review status: criteria provided, single submitter. Criteria: Invitae Variant Classification Sherloc (09022015). Collection method: clinical testing. Allele origin: germline.
Comment: This sequence change affects an acceptor splice site in intron 2 of the SIGMAR1 gene. It is expected to disrupt RNA splicing. Variants that disrupt the donor or acceptor splice site typically lead to a loss of protein function (PMID: 16199547), and loss-of-function variants in SIGMAR1 are known to be pathogenic (PMID: 26078401, 27402882, 28708278, 29115704). The frequency data for this variant in the population databases is considered unreliable, as metrics indicate poor data quality at this position in the gnomAD database. This variant has not been reported in the literature in individuals affected with SIGMAR1-related conditions. Algorithms developed to predict the effect of sequence changes on RNA splicing suggest that this variant may disrupt the consensus splice site. In summary, the currently available evidence indicates that the variant is pathogenic, but additional data are needed to prove that conclusively. Therefore, this variant has been classified as Likely Pathogenic.

Dr. Peter K. Rogan Lab, Western University
No classification provided (evidence only). Condition: Nonpapillary renal cell carcinoma. Review status: no classification provided. Collection method: in vitro. Allele origin: not applicable. Functional consequence: retained intron. Not counted in ClinVar's aggregate classification.

Dr. Peter K. Rogan Lab, Western University
No classification provided (evidence only). Condition: Nonpapillary renal cell carcinoma. Review status: no classification provided. Collection method: in vitro. Allele origin: not applicable. Functional consequence: retained intron. Not counted in ClinVar's aggregate classification.

Dr. Peter K. Rogan Lab, Western University
No classification provided (evidence only). Condition: Nonpapillary renal cell carcinoma. Review status: no classification provided. Collection method: in vitro. Allele origin: not applicable. Functional consequence: retained intron. Not counted in ClinVar's aggregate classification.

Literature cited by the submitters: PubMed 16199547 (cited by Labcorp Genetics (formerly Invitae), Labcorp); PubMed 26078401 (cited by Labcorp Genetics (formerly Invitae), Labcorp); PubMed 27402882 (cited by Labcorp Genetics (formerly Invitae), Labcorp); PubMed 28708278 (cited by Labcorp Genetics (formerly Invitae), Labcorp); PubMed 29115704 (cited by Labcorp Genetics (formerly Invitae), Labcorp).

NM_005866.4(SIGMAR1):c.353-2A>G

Gene: SIGMAR1 (sigma receptor chaperone 1; minus strand). Cytogenetic location: 9p13.3.
Variant type: single nucleotide variant.
Coding change: c.353-2A>G on transcript NM_005866.4 (MANE Select); the canonical splice acceptor site of the intron before coding-DNA position 353, A replaced by G.
Molecular consequence: splice acceptor variant. On other transcripts: missense variant (1), intron variant (2).
Genome position (GRCh38, 1-based): chr9:34,637,091, T>C on the plus strand (A>G on the coding strand, the complement: SIGMAR1 is on the minus strand). VCF-style: chr9-34637091-T-C. GRCh37 (hg19) VCF-style: chr9-34637088-T-C.
Other names: NC_000009.11:g.34637088T>C; c.374A>G, p.Gln125Arg (NM_001282208.2); c.293-2A>G (NM_001282207.2); c.305+176A>G (NM_001282209.2); c.53-2A>G (NM_001282206.2); c.352+129A>G (NM_147157.3); c.353-2A>G (NM_001282205.2); short protein forms Q125R.
Identifiers: ClinVar variation 4356097 (VCV004356097.2).